The following is an entry in ClinVar:

ClinVar aggregate classification (germline): Pathogenic (1 of 4 stars; one submission).

Conditions:
Joubert syndrome. Also called: CEREBELLOPARENCHYMAL DISORDER IV; JOUBERT-BOLTSHAUSER SYNDROME; Familial aplasia of the vermis. Identifiers: Orphanet 475, MedGen C5979921, MONDO:0018772.
Meckel-Gruber syndrome. Also called: DYSENCEPHALIA SPLANCHNOCYSTICA; GRUBER SYNDROME; Dysencephalia splachnocystica. Identifiers: Orphanet 564, MedGen C0265215, MONDO:0018921.

gnomAD v4.1: 2 of 1,614,178 alleles (0.00012%); highest among the groups gnomAD compares: Non-Finnish European, 0.000085%; no homozygotes.

Submission:

Labcorp Genetics (formerly Invitae), Labcorp
Classification: Pathogenic for Joubert syndrome; Meckel-Gruber syndrome. Last evaluated: 2025-12-07. Review status: criteria provided, single submitter. Criteria: Invitae Variant Classification Sherloc (09022015). Collection method: clinical testing. Allele origin: germline.
Comment: This sequence change creates a premature translational stop signal (p.Gln53*) in the TMEM67 gene. It is expected to result in an absent or disrupted protein product. Loss-of-function variants in TMEM67 are known to be pathogenic (PMID: 20232449, 23559409). This variant is not present in population databases (gnomAD no frequency). This variant has not been reported in the literature in individuals affected with TMEM67-related conditions. ClinVar contains an entry for this variant (Variation ID: 2035982). For these reasons, this variant has been classified as Pathogenic.

Literature cited by the submitters: PubMed 20232449; PubMed 23559409.

NM_153704.6(TMEM67):c.157C>T (p.Gln53Ter)

Gene: TMEM67 (transmembrane protein 67; plus strand). Cytogenetic location: 8q22.1.
Variant type: single nucleotide variant.
Coding change: c.157C>T on transcript NM_153704.6 (MANE Select); coding-DNA position 157, C replaced by T.
Protein change: p.Gln53Ter; replaces glutamine 53 with a stop codon.
Molecular consequence: nonsense. On other transcripts: 5 prime UTR variant (1), non-coding transcript variant (1).
Genome position (GRCh38, 1-based): chr8:93,755,071, C>T. VCF-style: chr8-93755071-C-T. GRCh37 (hg19) VCF-style: chr8-94767299-C-T.
Other names: c.-128C>T (NM_001142301.1); short protein forms Q53*.
Identifiers: ClinVar variation 2035982 (VCV002035982.4), dbSNP rs1188649369, ClinGen allele CA371685364.